The following is an entry in ClinVar:

NM_024753.5(TTC21B):c.481A>G (p.Thr161Ala)

Genes: TTC21B (tetratricopeptide repeat domain 21B; minus strand), TTC21B-AS1 (TTC21B antisense RNA 1; plus strand). Cytogenetic location: 2q24.3.
Variant type: single nucleotide variant.
Coding change: c.481A>G on transcript NM_024753.5 (MANE Select); coding-DNA position 481, A replaced by G.
Protein change: p.Thr161Ala; replaces threonine 161 with alanine.
Molecular consequence: missense variant.
Genome position (GRCh38, 1-based): chr2:165,943,290, T>C on the plus strand (A>G on the coding strand, the complement: TTC21B is on the minus strand). VCF-style: chr2-165943290-T-C. GRCh37 (hg19) VCF-style: chr2-166799800-T-C.
Other names: c.481A>G (NM_024753.3); short protein forms T161A.
Identifiers: ClinVar variation 331839 (VCV000331839.17), dbSNP rs568969576, ClinGen allele CA1942424.
Genomic context (GRCh38, chr2:165,943,290, plus strand): 5'-GAGCAAAAGTATCATTCCCATCTTGGAGTCCCTCTTCAAAATACTTCAGTGCTTTTTTAG[T>C]GTAAGGCTCTTTTCCTCTTGTAATATCAAGCCATGCTTTCAAAACGTGTCCCTGTAAAAT-3'
Protein context (NP_079029.3, residues 151-171): LDITRGKEPY[Thr161Ala]KKALKYFEEG

ClinVar aggregate classification (germline): Conflicting classifications of pathogenicity. Review status: criteria provided, conflicting classifications (1 of 4 stars). 6 submissions from 5 submitters: Uncertain significance (2); Benign (1); Likely benign (2). 1 of the submissions does not count toward it. Last evaluated 2025-08-11.

Conditions:
Nephronophthisis. Also called: Juvenile Nephronophthisis. Identifiers: Orphanet 655, MedGen C0687120, MONDO:0019005, HP:0000090.
Jeune thoracic dystrophy. Also called: Short-rib thoracic dysplasia; Infantile thoracic dystrophy; Thoracic pelvic phalangeal dystrophy; Jeune's syndrome; Chondroectodermal dysplasia-like syndrome; Jeune syndrome. Identifiers: Orphanet 474, MedGen C0265275, MONDO:0018770.
TTC21B-related disorder. Also called: TTC21B-related condition; TTC21B-related disorders.
Inborn genetic diseases. Identifiers: MedGen C0950123, MeSH D030342.
Nephronophthisis 12 (NPHP12). Identifiers: Orphanet 655, MedGen C3151186, MONDO:0013442, OMIM 613820.
Asphyxiating thoracic dystrophy 4 (SRTD4). Also called: SHORT-RIB THORACIC DYSPLASIA 4 WITH OR WITHOUT POLYDACTYLY; SHORT-RIB THORACIC DYSPLASIA 4. Identifiers: Orphanet 474, MedGen C3151185, MONDO:0013441, OMIM 613819.

Allele frequency attached by ClinVar (database versions not stated): gnomAD 0.00011 and 0.00001; gnomAD exomes 0.00014 and 0.00023; ExAC 0.00023; 1000 Genomes Project 0.00060; 1000 Genomes Project 30x 0.00078; TOPMed 0.00002.
gnomAD v4.1: 221 of 1,611,826 alleles (0.014%); highest among the groups gnomAD compares: South Asian, 0.22%; 6 homozygotes.

Submissions (6):

Labcorp Genetics (formerly Invitae), Labcorp
Classification: Benign for Jeune thoracic dystrophy; Nephronophthisis. Last evaluated: 2025-08-11. Review status: criteria provided, single submitter. Criteria: Invitae Variant Classification Sherloc (09022015). Collection method: clinical testing. Allele origin: germline.

Blueprint Genetics
Classification: Likely benign. Last evaluated: 2024-09-30. Review status: criteria provided, single submitter. Criteria: ACMG Guidelines, 2015. Collection method: clinical testing. Allele origin: germline.

Ambry Genetics
Classification: Likely benign for Inborn genetic diseases. Last evaluated: 2024-09-11. Review status: criteria provided, single submitter. Criteria: Ambry Variant Classification Scheme 2023. Collection method: clinical testing. Allele origin: germline.

Illumina Laboratory Services, Illumina
Classification: Uncertain significance for Nephronophthisis 12. Last evaluated: 2018-01-13. Review status: criteria provided, single submitter. Criteria: ICSL Variant Classification Criteria 13 December 2019. Collection method: clinical testing. Allele origin: germline.

Illumina Laboratory Services, Illumina
Classification: Uncertain significance for Asphyxiating thoracic dystrophy 4. Last evaluated: 2018-01-13. Review status: criteria provided, single submitter. Criteria: ICSL Variant Classification Criteria 13 December 2019. Collection method: clinical testing. Allele origin: germline.

PreventionGenetics, part of Exact Sciences
Classification: Likely benign for TTC21B-related condition. Last evaluated: 2023-09-18. Review status: no assertion criteria provided. Collection method: clinical testing. Allele origin: germline. Not counted in ClinVar's aggregate classification.
Comment: This variant is classified as likely benign based on ACMG/AMP sequence variant interpretation guidelines (Richards et al. 2015 PMID: 25741868, with internal and published modifications).